The following is an entry in ClinVar:

ClinVar aggregate classification (germline): Uncertain significance (1 of 4 stars; one submission).

Submission:

Labcorp Genetics (formerly Invitae), Labcorp
Classification: Uncertain significance. Last evaluated: 2023-06-08. Review status: criteria provided, single submitter. Criteria: Invitae Variant Classification Sherloc (09022015). Collection method: clinical testing. Allele origin: germline.
Comment: This variant is not present in population databases (gnomAD no frequency). This sequence change replaces alanine, which is neutral and non-polar, with threonine, which is neutral and polar, at codon 540 of the C3 protein (p.Ala540Thr). In summary, the available evidence is currently insufficient to determine the role of this variant in disease. Therefore, it has been classified as a Variant of Uncertain Significance. Algorithms developed to predict the effect of missense changes on protein structure and function output the following: SIFT: "Not Available"; PolyPhen-2: "Benign"; Align-GVGD: "Not Available". The threonine amino acid residue is found in multiple mammalian species, which suggests that this missense change does not adversely affect protein function. This variant has not been reported in the literature in individuals affected with C3-related conditions.

NM_000064.4(C3):c.1618G>A (p.Ala540Thr)

Gene: C3 (complement C3; minus strand). Cytogenetic location: 19p13.3.
Variant type: single nucleotide variant.
Coding change: c.1618G>A on transcript NM_000064.4 (MANE Select); coding-DNA position 1618, G replaced by A.
Protein change: p.Ala540Thr; replaces alanine 540 with threonine.
Molecular consequence: missense variant.
Genome position (GRCh38, 1-based): chr19:6,710,707, C>T on the plus strand (G>A on the coding strand, the complement: C3 is on the minus strand). VCF-style: chr19-6710707-C-T. GRCh37 (hg19) VCF-style: chr19-6710718-C-T.
Other names: short protein forms A540T.
Identifiers: ClinVar variation 2693731 (VCV002693731.3), dbSNP rs201237210, ClinGen allele CA403640353.